The following is an entry in ClinVar:

ClinVar aggregate classification (germline): Likely benign. Review status: criteria provided, multiple submitters, no conflicts (2 of 4 stars). 4 submissions from 4 submitters: Likely benign (3). 1 of the submissions does not count toward it. Last evaluated 2026-01-12.

Conditions:
RERE-related disorder. Also called: RERE-Related Disorders; RERE-related condition. Identifiers: MedGen CN381537.
Inborn genetic diseases. Identifiers: MedGen C0950123, MeSH D030342.

Submissions (4):

Ambry Genetics
Classification: Likely benign for Inborn genetic diseases. Last evaluated: 2026-01-12. Review status: criteria provided, single submitter. Criteria: Ambry Variant Classification Scheme 2023. Collection method: clinical testing. Allele origin: germline.

Labcorp Genetics (formerly Invitae), Labcorp
Classification: Likely benign. Last evaluated: 2025-10-19. Review status: criteria provided, single submitter. Criteria: Invitae Variant Classification Sherloc (09022015). Collection method: clinical testing. Allele origin: germline.

CeGaT Center for Human Genetics Tuebingen
Classification: Likely benign. Last evaluated: 2024-12-01. Review status: criteria provided, single submitter. Criteria: CeGaT Center For Human Genetics Tuebingen Variant Classification Criteria Version 2. Collection method: clinical testing. Allele origin: germline. Affected: yes. Observed: 1 variant allele.
Comment: RERE: BS1

PreventionGenetics, part of Exact Sciences
Classification: Likely benign for RERE-related condition. Last evaluated: 2019-02-21. Review status: no assertion criteria provided. Collection method: clinical testing. Allele origin: germline. Not counted in ClinVar's aggregate classification.
Comment: This variant is classified as likely benign based on ACMG/AMP sequence variant interpretation guidelines (Richards et al. 2015 PMID: 25741868, with internal and published modifications).

NM_001042681.2(RERE):c.3588_3599del (p.1192_1193RE[3])

Gene: RERE (arginine-glutamic acid dipeptide repeats; minus strand). Cytogenetic location: 1p36.23.
Variant type: Deletion.
Coding change: c.3588_3599del on transcript NM_001042681.2 (MANE Select); coding-DNA positions 3588 to 3599, 12 bases deleted (AGAGCGGGAGCG).
Protein change: p.1192_1193RE[3].
Molecular consequence: inframe deletion.
Genome position (GRCh38, 1-based): chr1:8,359,783-8,359,794, CGCTCCCGCTCT deleted on the plus strand (AGAGCGGGAGCG on the coding strand, the reverse complement: RERE is on the minus strand); deleting any 12 consecutive bases within chr1:8,359,783-8,359,805 gives the same sequence; the c. name uses the placement nearest the transcript's 3' end. VCF-style (leftmost placement, unchanged base first): chr1-8359782-GCGCTCCCGCTCT-G. GRCh37 (hg19) VCF-style: chr1-8419842-GCGCTCCCGCTCT-G.
Other names: c.3588_3599del12 (NM_012102.3); c.1926_1937del, p.638_639RE[3] (NM_001042682.2); c.3588_3599del, p.1192_1193RE[3] (NM_012102.4).
Identifiers: ClinVar variation 782354 (VCV000782354.24), dbSNP rs778061502, ClinGen allele CA571080.